The following is an entry in ClinVar:

ClinVar aggregate classification (germline): Uncertain significance (1 of 4 stars; one submission).

Submission:

GeneDx
Classification: Uncertain significance. Last evaluated: 2023-12-07. Review status: criteria provided, single submitter. Criteria: GeneDx Variant Classification Process June 2021. Collection method: clinical testing. Allele origin: germline. Affected: yes.
Comment: Not observed at significant frequency in large population cohorts (gnomAD); In silico analysis supports that this missense variant does not alter protein structure/function; Has not been previously published as pathogenic or benign to our knowledge; This variant is associated with the following publications: (PMID: 18199528)

NM_000038.6(APC):c.8298C>G (p.Ser2766Arg)

Gene: APC (APC regulator of WNT signaling pathway; plus strand). Cytogenetic location: 5q22.2.
Variant type: single nucleotide variant.
Coding change: c.8298C>G on transcript NM_000038.6 (MANE Select); coding-DNA position 8298, C replaced by G.
Protein change: p.Ser2766Arg; replaces serine 2766 with arginine.
Molecular consequence: missense variant. On other transcripts: non-coding transcript variant (2).
Genome position (GRCh38, 1-based): chr5:112,843,892, C>G. VCF-style: chr5-112843892-C-G. GRCh37 (hg19) VCF-style: chr5-112179589-C-G.
Other names: c.8298C>G, p.Ser2766Arg (NM_001127510.3, NM_001354895.2, NM_001407450.1); c.8244C>G, p.Ser2748Arg (NM_001127511.3); c.8352C>G, p.Ser2784Arg (NM_001354896.2, NM_001407447.1, NM_001407448.1 and 1 more transcripts); c.8328C>G, p.Ser2776Arg (NM_001354897.2); c.8223C>G, p.Ser2741Arg (NM_001354898.2); c.8214C>G, p.Ser2738Arg (NM_001354899.2); c.8175C>G, p.Ser2725Arg (NM_001354900.2); c.8121C>G, p.Ser2707Arg (NM_001354901.2, NM_001407453.1); and 11 more; short protein forms S2382R, S2483R, S2606R, S2637R, S2640R, S2665R, S2675R, S2683R.
Identifiers: ClinVar variation 3252317 (VCV003252317.1), dbSNP rs876658523.